The following is an entry in ClinVar:

ClinVar aggregate classification (germline): Benign. Review status: criteria provided, multiple submitters, no conflicts (2 of 4 stars). 15 submissions from 15 submitters: Benign (13). 2 of the submissions do not count toward it. Last evaluated 2026-02-04.

Conditions:
Myofibrillar myopathy 5. Also called: Filaminopathy (type); FILAMINOPATHY, AUTOSOMAL DOMINANT. Identifiers: Orphanet 171445, MedGen C1836050, MONDO:0012289, OMIM 609524.
Distal myopathy with posterior leg and anterior hand involvement. Also called: WILLIAMS DISTAL MYOPATHY. Identifiers: Orphanet 63273, MedGen C3279722, MONDO:0013550, OMIM 614065.
Hypertrophic cardiomyopathy 26. Also called: Cardiomyopathy, familial hypertrophic, 26. Identifiers: Orphanet 75249, MedGen C4310749, MONDO:0014883, OMIM 617047.
Cardiovascular phenotype. Identifiers: MedGen CN230736.

Allele frequency attached by ClinVar (database versions not stated): gnomAD exomes 0.18055 and 0.21929; ExAC 0.22903; gnomAD 0.28264 and 0.28610; ESP Exome Variant Server 0.28359; TOPMed 0.29797; 1000 Genomes Project 0.34605; 1000 Genomes Project 30x 0.35087.
gnomAD v4.1: 307,407 of 1,613,268 alleles (19%); highest among the groups gnomAD compares: African/African-American, 55%; 36,238 homozygotes.

Submissions (15):

Labcorp Genetics (formerly Invitae), Labcorp
Classification: Benign for Distal myopathy with posterior leg and anterior hand involvement; Myofibrillar myopathy 5; Hypertrophic cardiomyopathy 26. Last evaluated: 2026-02-04. Review status: criteria provided, single submitter. Criteria: Invitae Variant Classification Sherloc (09022015). Collection method: clinical testing. Allele origin: germline.

Molecular Diagnostic Laboratory for Inherited Cardiovascular Disease, Montreal Heart Institute
Classification: Benign. Last evaluated: 2025-04-09. Review status: criteria provided, single submitter. Criteria: ACMG Guidelines, 2015. Collection method: clinical testing. Allele origin: germline. Affected: no.

Blueprint Genetics
Classification: Benign. Last evaluated: 2024-11-27. Review status: criteria provided, single submitter. Criteria: ACMG Guidelines, 2015. Collection method: clinical testing. Allele origin: germline.

Mayo Clinic Laboratories, Mayo Clinic
Classification: Benign. Last evaluated: 2022-04-26. Review status: criteria provided, single submitter. Criteria: ACMG Guidelines, 2015. Collection method: clinical testing. Allele origin: germline. Observed: 669 variant alleles.

Women's Health and Genetics/Laboratory Corporation of America, LabCorp
Classification: Benign. Last evaluated: 2021-07-08. Review status: criteria provided, single submitter. Criteria: LabCorp Variant Classification Summary - May 2015. Collection method: clinical testing. Allele origin: germline.

Ambry Genetics
Classification: Benign for Cardiovascular phenotype. Last evaluated: 2018-12-24. Review status: criteria provided, single submitter. Criteria: Ambry Variant Classification Scheme 2023. Collection method: clinical testing. Allele origin: germline.

Athena Diagnostics
Classification: Benign. Last evaluated: 2017-09-12. Review status: criteria provided, single submitter. Criteria: Athena Diagnostics Criteria. Collection method: clinical testing. Allele origin: germline.

GeneDx
Classification: Benign. Last evaluated: 2016-02-08. Review status: criteria provided, single submitter. Criteria: GeneDx Variant Classification (06012015). Collection method: clinical testing. Allele origin: germline. Affected: yes.
Comment: This variant is considered likely benign or benign based on one or more of the following criteria: it is a conservative change, it occurs at a poorly conserved position in the protein, it is predicted to be benign by multiple in silico algorithms, and/or has population frequency not consistent with disease.

PreventionGenetics, part of Exact Sciences
Classification: Benign. Last evaluated: 2015-12-30. Review status: criteria provided, single submitter. Criteria: ACMG Guidelines, 2015. Collection method: clinical testing. Allele origin: germline.

Eurofins Ntd Llc (ga)
Classification: Benign. Last evaluated: 2015-06-04. Review status: criteria provided, single submitter. Criteria: EGL Classification Definitions 2015. Collection method: clinical testing. Allele origin: germline. Observed: 1 variant allele, 1 heterozygote.

Laboratory for Molecular Medicine, Mass General Brigham Personalized Medicine
Classification: Benign. Last evaluated: 2015-01-13. Review status: criteria provided, single submitter. Criteria: LMM Criteria. Collection method: clinical testing. Allele origin: germline. Observed: 8 variant alleles.
Comment: p.Leu1325Leu in exon 23 of FLNC: This variant is not expected to have clinical s ignificance because it does not alter an amino acid residue and is not located w ithin the splice consensus sequence. It has been identified in 47.5% (2011/4238) of African American chromosomes from a broad population by the NHLBI Exome Sequ encing Project (dbSNP rs34373805).

Genetic Services Laboratory, University of Chicago
Classification: Benign for AllHighlyPenetrant. Last evaluated: 2013-08-15. Review status: criteria provided, single submitter. Criteria: ACMG Guidelines, 2007. Collection method: clinical testing. Allele origin: germline. Inheritance: Autosomal dominant inheritance.

Breakthrough Genomics
Classification: Benign. Review status: criteria provided, single submitter. Criteria: ACMG Guidelines, 2015. Collection method: not provided. Allele origin: germline. Inheritance: Autosomal dominant inheritance. Affected: yes.

Clinical Genetics, Academic Medical Center
Classification: Benign. Review status: no assertion criteria provided. Collection method: clinical testing. Allele origin: germline. Affected: yes. Study: VKGL Data-share Consensus. Not counted in ClinVar's aggregate classification.

Joint Genome Diagnostic Labs from Nijmegen and Maastricht, Radboudumc and MUMC+
Classification: Benign. Review status: no assertion criteria provided. Collection method: clinical testing. Allele origin: germline. Affected: yes. Study: VKGL Data-share Consensus. Not counted in ClinVar's aggregate classification.

NM_001458.5(FLNC):c.3973C>T (p.Leu1325=)

Gene: FLNC (filamin C; plus strand). Cytogenetic location: 7q32.1.
Variant type: single nucleotide variant.
Coding change: c.3973C>T on transcript NM_001458.5 (MANE Select); coding-DNA position 3973, C replaced by T.
Protein change: p.Leu1325=; no amino-acid change (leucine 1325 retained).
Molecular consequence: synonymous variant.
Genome position (GRCh38, 1-based): chr7:128,846,309, C>T. VCF-style: chr7-128846309-C-T. GRCh37 (hg19) VCF-style: chr7-128486363-C-T.
Other names: p.Leu1325=; c.3973C>T, p.Leu1325= (NM_001127487.2).
Identifiers: ClinVar variation 129088 (VCV000129088.33), dbSNP rs34373805, ClinGen allele CA152856.